The following is an entry in ClinVar:

ClinVar aggregate classification (germline): Conflicting classifications of pathogenicity. Review status: criteria provided, conflicting classifications (1 of 4 stars). 7 submissions from 5 submitters: Uncertain significance (4); Benign (2); Likely benign (1). Last evaluated 2026-09-18.

Conditions:
Retinal dystrophy. Also called: Inherited retinal dystrophy. Identifiers: Orphanet 71862, MedGen C0854723, MeSH D058499, MONDO:0019118, HP:0000556.
Retinitis pigmentosa (RP). Identifiers: Orphanet 791, MedGen C0035334, MeSH D012174, MONDO:0019200, OMIM 268000. Inheritance: Autosomal dominant, autosomal recessive and X linked inheritance.
CRX-related disorder. Also called: CRX-related condition.
Leber congenital amaurosis 7 (LCA7). Identifiers: Orphanet 65, MedGen C3151192, MONDO:0013449, OMIM 613829.
Cone-rod dystrophy 2 (CORD2). Also called: CONE-ROD RETINAL DYSTROPHY; Cone-rod retinal dystrophy 2. Identifiers: Orphanet 1872, MedGen C3489532, MONDO:0007362, OMIM 120970.

Allele frequency attached by ClinVar (database versions not stated): TOPMed 0.00002; gnomAD 0.00003 and 0.00006; gnomAD exomes 0.00007 and 0.00015; ExAC 0.00008.
gnomAD v4.1: 227 of 1,613,566 alleles (0.014%); highest among the groups gnomAD compares: East Asian, 0.48%; 1 homozygote.

Submissions (7):

PreventionGenetics, part of Exact Sciences
Classification: Uncertain significance for CRX-related condition. Last evaluated: 2026-09-18. Review status: criteria provided, single submitter. Criteria: ACMG Guidelines, 2015. Collection method: clinical testing. Allele origin: germline.
Comment: The CRX c.460A>G variant is predicted to result in the amino acid substitution p.Thr154Ala. To our knowledge, this variant has not been reported in the literature. This variant is reported in 0.080% of alleles in individuals of East Asian descent in gnomAD, which may be too frequent to be a primary cause of disease. Although we suspect that this variant may be benign, at this time, the clinical significance of this variant is uncertain due to the absence of conclusive functional and genetic evidence.

Labcorp Genetics (formerly Invitae), Labcorp
Classification: Uncertain significance for Cone-rod dystrophy 2; Leber congenital amaurosis 7. Last evaluated: 2024-09-06. Review status: criteria provided, single submitter. Criteria: Invitae Variant Classification Sherloc (09022015). Collection method: clinical testing. Allele origin: germline.
Comment: This sequence change replaces threonine, which is neutral and polar, with alanine, which is neutral and non-polar, at codon 154 of the CRX protein (p.Thr154Ala). This variant is present in population databases (rs763651232, gnomAD 0.09%). This missense change has been observed in individual(s) with clinical features of CRX-related conditions (PMID: 18682808, 31626798). ClinVar contains an entry for this variant (Variation ID: 893436). Invitae Evidence Modeling of protein sequence and biophysical properties (such as structural, functional, and spatial information, amino acid conservation, physicochemical variation, residue mobility, and thermodynamic stability) indicates that this missense variant is not expected to disrupt CRX protein function with a negative predictive value of 80%. In summary, the available evidence is currently insufficient to determine the role of this variant in disease. Therefore, it has been classified as a Variant of Uncertain Significance.

Dept Of Ophthalmology, Nagoya University
Classification: Benign for Retinal dystrophy. Last evaluated: 2023-10-01. Review status: criteria provided, single submitter. Criteria: Submitter's publication. Collection method: research. Allele origin: germline. Affected: yes.

Department of Pathology and Laboratory Medicine, Sinai Health System
Classification: Uncertain significance for cone-rod dystrophy 2. Last evaluated: 2022-11-13. Review status: criteria provided, single submitter. Criteria: ACMG Guidelines, 2015. Collection method: research. Allele origin: germline.

Illumina Laboratory Services, Illumina
Classification: Likely benign for Retinitis pigmentosa. Last evaluated: 2017-04-27. Review status: criteria provided, single submitter. Criteria: ICSL Variant Classification Criteria 13 December 2019. Collection method: clinical testing. Allele origin: germline.
Comment: This variant was observed as part of a predisposition screen in an ostensibly healthy population. A literature search was performed for the gene, cDNA change, and amino acid change (where applicable). No publications were found based on this search. Allele frequency data from public databases allowed determination this variant is unlikely to cause disease. Therefore, this variant is classified as likely benign.

Illumina Laboratory Services, Illumina
Classification: Benign for Cone-rod dystrophy 2. Last evaluated: 2017-04-27. Review status: criteria provided, single submitter. Criteria: ICSL Variant Classification Criteria 13 December 2019. Collection method: clinical testing. Allele origin: germline.
Comment: This variant was observed as part of a predisposition screen in an ostensibly healthy population. A literature search was performed for the gene, cDNA change, and amino acid change (where applicable). No publications were found based on this search. Allele frequency data from public databases was too high to be consistent with this variant causing disease. Therefore, this variant is classified as benign.

Illumina Laboratory Services, Illumina
Classification: Uncertain significance for Leber congenital amaurosis 7. Last evaluated: 2017-04-27. Review status: criteria provided, single submitter. Criteria: ICSL Variant Classification Criteria 13 December 2019. Collection method: clinical testing. Allele origin: germline.
Comment: This variant was observed as part of a predisposition screen in an ostensibly healthy population. A literature search was performed for the gene, cDNA change, and amino acid change (where applicable). Publications were found based on this search. However, the evidence from the literature, in combination with allele frequency data from public databases where available, was not sufficient to rule this variant in or out of causing disease. Therefore, this variant is classified as a variant of unknown significance.

Literature cited by the submitters: PubMed 18682808 (cited by Labcorp Genetics (formerly Invitae), Labcorp and Illumina Laboratory Services, Illumina); PubMed 31626798 (cited by Labcorp Genetics (formerly Invitae), Labcorp).

NM_000554.6(CRX):c.460A>G (p.Thr154Ala)

Gene: CRX (cone-rod homeobox; plus strand). Cytogenetic location: 19q13.33.
Variant type: single nucleotide variant.
Coding change: c.460A>G on transcript NM_000554.6 (MANE Select); coding-DNA position 460, A replaced by G.
Protein change: p.Thr154Ala; replaces threonine 154 with alanine.
Molecular consequence: missense variant.
Genome position (GRCh38, 1-based): chr19:47,839,527, A>G. VCF-style: chr19-47839527-A-G. GRCh37 (hg19) VCF-style: chr19-48342784-A-G.
Other names: c.460A>G (NM_000554.5); short protein forms T154A.
Identifiers: ClinVar variation 893436 (VCV000893436.11), dbSNP rs763651232, ClinGen allele CA9544496.